The following is an entry in ClinVar:

ClinVar aggregate classification (germline): Uncertain significance (1 of 4 stars; one submission).

Allele frequency attached by ClinVar (database versions not stated): gnomAD 0.00009 and 0.00011; gnomAD exomes 0.00015 and 0.00020; TOPMed 0.00017; ExAC 0.00021; 1000 Genomes Project 30x 0.00062; 1000 Genomes Project 0.00080.
gnomAD v4.1: 228 of 1,593,586 alleles (0.014%); highest among the groups gnomAD compares: East Asian, 0.27%; no homozygotes.

Submission:

Labcorp Genetics (formerly Invitae), Labcorp
Classification: Uncertain significance. Last evaluated: 2025-01-16. Review status: criteria provided, single submitter. Criteria: Invitae Variant Classification Sherloc (09022015). Collection method: clinical testing. Allele origin: germline.
Comment: This sequence change replaces arginine, which is basic and polar, with glutamine, which is neutral and polar, at codon 256 of the POC5 protein (p.Arg256Gln). This variant is present in population databases (rs142297873, gnomAD 0.2%), and has an allele count higher than expected for a pathogenic variant. This variant has not been reported in the literature in individuals affected with POC5-related conditions. ClinVar contains an entry for this variant (Variation ID: 1448147). An algorithm developed to predict the effect of missense changes on protein structure and function outputs the following: PolyPhen-2: "Benign". The glutamine amino acid residue is found in multiple mammalian species, which suggests that this missense change does not adversely affect protein function. Algorithms developed to predict the effect of sequence changes on RNA splicing suggest that this variant may disrupt the consensus splice site. In summary, the available evidence is currently insufficient to determine the role of this variant in disease. Therefore, it has been classified as a Variant of Uncertain Significance.

NM_001099271.2(POC5):c.767G>A (p.Arg256Gln)

Gene: POC5 (POC5 centriolar protein; minus strand). Cytogenetic location: 5q13.3.
Variant type: single nucleotide variant.
Coding change: c.767G>A on transcript NM_001099271.2 (MANE Select); coding-DNA position 767, G replaced by A.
Protein change: p.Arg256Gln; replaces arginine 256 with glutamine.
Molecular consequence: missense variant.
Genome position (GRCh38, 1-based): chr5:75,692,424, C>T on the plus strand (G>A on the coding strand, the complement: POC5 is on the minus strand). VCF-style: chr5-75692424-C-T. GRCh37 (hg19) VCF-style: chr5-74988249-C-T.
Other names: c.692G>A, p.Arg231Gln (NM_152408.3); short protein forms R256Q, R231Q.
Identifiers: ClinVar variation 1448147 (VCV001448147.6), dbSNP rs142297873, ClinGen allele CA3310492.